The following is an entry in ClinVar:

ClinVar aggregate classification (germline): Uncertain significance (0 of 4 stars; one submission).

Conditions:
Autism (AUTS). Also called: Autistic disorder of childhood onset; Autistic disorder. Identifiers: MedGen C0004352, MeSH D001321, MONDO:0005260, OMIM 209850, HP:0000717.

Submission:

Centre for Addiction & Mental Health
Classification: Uncertain significance for Autism. Review status: no assertion criteria provided. Collection method: research. Allele origin: de novo. Affected: yes. Observed: 1 heterozygote. Segregation with disease not observed.
Comment: Gene not previously associated with disease; independent supportng evidence needed

NM_020415.4(RETN):c.12_13del (p.Cys5fs)

Gene: RETN (resistin; plus strand). Cytogenetic location: 19p13.2.
Variant type: Microsatellite.
Coding change: c.12_13del on transcript NM_020415.4 (MANE Select); coding-DNA positions 12 to 13, 2 bases deleted (CT; older notation c.12_13delCT).
Protein change: p.Cys5fs; shifts the reading frame from cysteine 5.
Molecular consequence: frameshift variant.
Genome position (GRCh38, 1-based): chr19:7,669,338-7,669,339, CT deleted; deleting any 2 consecutive bases within chr19:7,669,334-7,669,339 gives the same sequence; the c. name uses the placement nearest the transcript's 3' end. VCF-style (leftmost placement, unchanged base first): chr19-7669333-GCT-G. GRCh37 (hg19) VCF-style: chr19-7734219-GCT-G.
Other names: c.12_13del, p.Cys5fs (NM_001193374.2, NM_001385725.1, NM_001385726.1 and 1 more transcripts); short protein forms C5fs.
Identifiers: ClinVar variation 3338183 (VCV003338183.2).